The following is an entry in ClinVar:

NM_001127208.3(TET2):c.2543del (p.Thr848fs)

Genes: TET2 (tet methylcytosine dioxygenase 2; plus strand), TET2-AS1 (TET2 antisense RNA 1; minus strand). Cytogenetic location: 4q24.
Variant type: Deletion.
Coding change: c.2543del on transcript NM_001127208.3 (MANE Select); coding-DNA position 2543, one base deleted (C; older notation c.2543delC).
Protein change: p.Thr848fs; shifts the reading frame from threonine 848.
Molecular consequence: frameshift variant.
Genome position (GRCh38, 1-based): chr4:105,236,485, C deleted. VCF-style (leftmost placement, unchanged base first): chr4-105236484-AC-A. GRCh37 (hg19) VCF-style: chr4-106157641-AC-A.
Other names: c.2543del, p.Thr848fs (NM_017628.4); short protein forms T848fs.
Identifiers: ClinVar variation 2694963 (VCV002694963.3), dbSNP rs2476501613, ClinGen allele CA2697546850.

ClinVar aggregate classification (germline): Pathogenic (1 of 4 stars; one submission).

Submission:

Labcorp Genetics (formerly Invitae), Labcorp
Classification: Pathogenic. Last evaluated: 2023-11-10. Review status: criteria provided, single submitter. Criteria: Invitae Variant Classification Sherloc (09022015). Collection method: clinical testing. Allele origin: germline.
Comment: This sequence change creates a premature translational stop signal (p.Thr848Ilefs*25) in the TET2 gene. It is expected to result in an absent or disrupted protein product. Loss-of-function variants in TET2 are known to be pathogenic (PMID: 36066697). This variant is not present in population databases (gnomAD no frequency). This variant has not been reported in the literature in individuals affected with TET2-related conditions. For these reasons, this variant has been classified as Pathogenic.

Literature cited by the submitters: PubMed 36066697.